The following is an entry in ClinVar:

ClinVar aggregate classification (germline): Uncertain significance. Review status: criteria provided, multiple submitters, no conflicts (2 of 4 stars). 3 submissions from 3 submitters: Uncertain significance (3). Last evaluated 2025-11-18.

Conditions:
PCNT-related disorder. Also called: PCNT-related condition.

Allele frequency attached by ClinVar (database versions not stated): gnomAD exomes 0.00001 and 0.00004; ExAC 0.00005; ESP Exome Variant Server 0.00008; gnomAD 0.00011 and 0.00014; 1000 Genomes Project 30x 0.00016; TOPMed 0.00016; 1000 Genomes Project 0.00020.
gnomAD v4.1: 40 of 1,613,364 alleles (0.0025%); highest among the groups gnomAD compares: African/African-American, 0.035%; no homozygotes.

Submissions (3):

PreventionGenetics, part of Exact Sciences
Classification: Uncertain significance for PCNT-related condition. Last evaluated: 2025-11-18. Review status: criteria provided, single submitter. Criteria: ACMG Guidelines, 2015. Collection method: clinical testing. Allele origin: germline.
Comment: The PCNT c.9871A>G variant is predicted to result in the amino acid substitution p.Arg3291Gly. To our knowledge, this variant has not been reported in the literature. This variant is reported in 0.052% of alleles in individuals of African descent in gnomAD. Although we suspect that this variant may be benign, the clinical significance of this variant is uncertain at this time due to the absence of conclusive functional and genetic evidence.

Labcorp Genetics (formerly Invitae), Labcorp
Classification: Uncertain significance. Last evaluated: 2025-01-23. Review status: criteria provided, single submitter. Criteria: Invitae Variant Classification Sherloc (09022015). Collection method: clinical testing. Allele origin: germline.
Comment: This sequence change replaces arginine, which is basic and polar, with glycine, which is neutral and non-polar, at codon 3291 of the PCNT protein (p.Arg3291Gly). This variant is present in population databases (rs147637351, gnomAD 0.05%). This variant has not been reported in the literature in individuals affected with PCNT-related conditions. ClinVar contains an entry for this variant (Variation ID: 436251). An algorithm developed to predict the effect of missense changes on protein structure and function (PolyPhen-2) suggests that this variant is likely to be disruptive. In summary, the available evidence is currently insufficient to determine the role of this variant in disease. Therefore, it has been classified as a Variant of Uncertain Significance.

Genetic Services Laboratory, University of Chicago
Classification: Uncertain significance. Last evaluated: 2017-06-22. Review status: criteria provided, single submitter. Criteria: ACMG Guidelines, 2015. Collection method: clinical testing. Allele origin: germline. Affected: no.

NM_006031.6(PCNT):c.9871A>G (p.Arg3291Gly)

Gene: PCNT (pericentrin; plus strand). Cytogenetic location: 21q22.3.
Variant type: single nucleotide variant.
Coding change: c.9871A>G on transcript NM_006031.6 (MANE Select); coding-DNA position 9871, A replaced by G.
Protein change: p.Arg3291Gly; replaces arginine 3291 with glycine.
Molecular consequence: missense variant.
Genome position (GRCh38, 1-based): chr21:46,444,725, A>G. VCF-style: chr21-46444725-A-G. GRCh37 (hg19) VCF-style: chr21-47864638-A-G.
Other names: c.9280A>G, p.Arg3094Gly (NM_001315529.2); short protein forms R3291G, R3094G.
Identifiers: ClinVar variation 436251 (VCV000436251.11), dbSNP rs147637351, ClinGen allele CA10081539.
Genomic context (GRCh38, chr21:46,444,725, plus strand): 5'-CTTCTCTTGGTGTGGTAATTTGTTTGAAGAGCCACTCCATCCCCAAATTCAAGATTAGAA[A>G]GATCCCTGACTGCTTCTCAAGATCCAGAACATTCCTTGACAGAGTATATTCACCATTTAG-3'
Protein context (NP_006022.3, residues 3281-3301): ATPSPNSRLE[Arg3291Gly]SLTASQDPEH